The following is an entry in ClinVar:

ClinVar aggregate classification (germline): Uncertain significance (1 of 4 stars; one submission).

Allele frequency attached by ClinVar (database versions not stated): gnomAD exomes below 0.00001.
gnomAD v4.1: 3 of 1,614,198 alleles (0.00019%); highest among the groups gnomAD compares: South Asian, 0.0011%; no homozygotes.

Submission:

Labcorp Genetics (formerly Invitae), Labcorp
Classification: Uncertain significance. Last evaluated: 2025-05-19. Review status: criteria provided, single submitter. Criteria: Invitae Variant Classification Sherloc (09022015). Collection method: clinical testing. Allele origin: germline.
Comment: This sequence change replaces asparagine, which is neutral and polar, with serine, which is neutral and polar, at codon 348 of the TCF20 protein (p.Asn348Ser). This variant is present in population databases (no rsID available, gnomAD no frequency). This variant has not been reported in the literature in individuals affected with TCF20-related conditions. ClinVar contains an entry for this variant (Variation ID: 2189266). An algorithm developed to predict the effect of missense changes on protein structure and function outputs the following: PolyPhen-2: "Benign". The serine amino acid residue is found in multiple mammalian species, which suggests that this missense change does not adversely affect protein function. In summary, the available evidence is currently insufficient to determine the role of this variant in disease. Therefore, it has been classified as a Variant of Uncertain Significance.

NM_001378418.1(TCF20):c.1043A>G (p.Asn348Ser)

Gene: TCF20 (transcription factor 20; minus strand). Cytogenetic location: 22q13.2.
Variant type: single nucleotide variant.
Coding change: c.1043A>G on transcript NM_001378418.1 (MANE Select); coding-DNA position 1043, A replaced by G.
Protein change: p.Asn348Ser; replaces asparagine 348 with serine.
Molecular consequence: missense variant.
Genome position (GRCh38, 1-based): chr22:42,214,263, T>C on the plus strand (A>G on the coding strand, the complement: TCF20 is on the minus strand). VCF-style: chr22-42214263-T-C. GRCh37 (hg19) VCF-style: chr22-42610269-T-C.
Other names: c.1043A>G, p.Asn348Ser (NM_005650.4, NM_181492.3); short protein forms N348S.
Identifiers: ClinVar variation 2189266 (VCV002189266.3), dbSNP rs1193666613, ClinGen allele CA411791678.